The following is an entry in ClinVar:

NM_198252.3(GSN):c.196+7C>T

Gene: GSN (gelsolin; plus strand). Cytogenetic location: 9q33.2.
Variant type: single nucleotide variant.
Coding change: c.196+7C>T on transcript NM_198252.3 (MANE Select); 7 bases into the intron after coding-DNA position 196, C replaced by T.
Molecular consequence: intron variant.
Genome position (GRCh38, 1-based): chr9:121,302,174, C>T. VCF-style: chr9-121302174-C-T. GRCh37 (hg19) VCF-style: chr9-124064452-C-T.
Other names: c.196+7C>T (NM_001353054.1, NM_001353053.1, NM_001353060.2 and 10 more transcripts); c.229+7C>T (NM_001353064.2, NM_001353066.2, NM_001353073.2 and 13 more transcripts); c.304+7C>T (NM_001127663.2); c.268+7C>T (NM_001353076.2); c.-458-737C>T (NM_001353078.2); c.247+7C>T (NM_001258029.2); c.220+7C>T (NM_001258030.2); c.349+7C>T (NM_000177.5).
Identifiers: ClinVar variation 364799 (VCV000364799.16), dbSNP rs146379508, ClinGen allele CA5220785.

ClinVar aggregate classification (germline): Benign/Likely benign. Review status: criteria provided, multiple submitters, no conflicts (2 of 4 stars). 3 submissions from 3 submitters: Benign (2); Likely benign (1). Last evaluated 2026-05-01.

Conditions:
Finnish type amyloidosis. Also called: Lattice corneal dystrophy associated with familial systemic amyloidosis; Meretoja's syndrome; Lattice dystrophy of the cornea with hereditary generalized amyloidosis; AMYLOIDOSIS, HEREDITARY SYSTEMIC 4, FINNISH TYPE; AMYLOID CRANIAL NEUROPATHY WITH LATTICE CORNEAL DYSTROPHY; AMYLOIDOSIS DUE TO MUTANT GELSOLIN. Identifiers: Orphanet 85448, MedGen C1622345, MONDO:0007097, OMIM 105120.

Allele frequency attached by ClinVar (database versions not stated): gnomAD exomes 0.00040 and 0.00100; ExAC 0.00124; gnomAD 0.00410 and 0.00444; TOPMed 0.00428; 1000 Genomes Project 0.00439; ESP Exome Variant Server 0.00446; 1000 Genomes Project 30x 0.00468.
gnomAD v4.1: 1,243 of 1,613,226 alleles (0.077%); highest among the groups gnomAD compares: African/African-American, 1.4%; 6 homozygotes.

Submissions (3):

CeGaT Center for Human Genetics Tuebingen
Classification: Likely benign. Last evaluated: 2026-05-01. Review status: criteria provided, single submitter. Criteria: CeGaT Center For Human Genetics Tuebingen Variant Classification Criteria Version 2. Collection method: clinical testing. Allele origin: germline. Affected: yes. Observed: 1 variant allele.
Comment: GSN: BS1

Labcorp Genetics (formerly Invitae), Labcorp
Classification: Benign. Last evaluated: 2026-01-25. Review status: criteria provided, single submitter. Criteria: Invitae Variant Classification Sherloc (09022015). Collection method: clinical testing. Allele origin: germline.

Illumina Laboratory Services, Illumina
Classification: Benign for Finnish type amyloidosis. Last evaluated: 2018-01-12. Review status: criteria provided, single submitter. Criteria: ICSL Variant Classification Criteria 13 December 2019. Collection method: clinical testing. Allele origin: germline.
Comment: This variant was observed in the ICSL laboratory as part of a predisposition screen in an ostensibly healthy population. It had not been previously curated by ICSL or reported in the Human Gene Mutation Database (HGMD: prior to June 1st, 2018), and was therefore a candidate for classification through an automated scoring system. Utilizing variant allele frequency, disease prevalence and penetrance estimates, and inheritance mode, an automated score was calculated to assess if this variant is too frequent to cause the disease. Based on the score and internal cut-off values, a variant classified as benign is not then subjected to further curation. The score for this variant resulted in a classification of benign for this disease.